The following is an entry in ClinVar:

ClinVar aggregate classification (germline): Uncertain significance (1 of 4 stars; one submission).

Allele frequency attached by ClinVar (database versions not stated): TOPMed below 0.00001; gnomAD 0.00001.
gnomAD v4.1: 1 of 1,614,068 alleles (0.000062%); highest among the groups gnomAD compares: African/African-American, 0.0013%; no homozygotes.

Submission:

Ambry Genetics
Classification: Uncertain significance. Last evaluated: 2022-04-08. Review status: criteria provided, single submitter. Criteria: Ambry Variant Classification Scheme 2023. Collection method: clinical testing. Allele origin: germline.
Comment: The p.S1613Y variant (also known as c.4838C>A), located in coding exon 4 of the ALPK2 gene, results from a C to A substitution at nucleotide position 4838. The serine at codon 1613 is replaced by tyrosine, an amino acid with dissimilar properties. This amino acid position is conserved. In addition, this alteration is predicted to be tolerated by in silico analysis. Since supporting evidence is limited at this time, the clinical significance of this alteration remains unclear.

NM_052947.4(ALPK2):c.4838C>A (p.Ser1613Tyr)

Genes: ALPK2 (alpha kinase 2; minus strand), LOC126862764 (BRD4-independent group 4 enhancer GRCh37_chr18:56202574-56203773; plus strand), LOC130062578 (ATAC-STARR-seq lymphoblastoid active region 13390; plus strand). Cytogenetic location: 18q21.31.
Variant type: single nucleotide variant.
Coding change: c.4838C>A on transcript NM_052947.4 (MANE Select); coding-DNA position 4838, C replaced by A.
Protein change: p.Ser1613Tyr; replaces serine 1613 with tyrosine.
Molecular consequence: missense variant.
Genome position (GRCh38, 1-based): chr18:58,535,349, G>T on the plus strand (C>A on the coding strand, the complement: ALPK2 is on the minus strand). VCF-style: chr18-58535349-G-T. GRCh37 (hg19) VCF-style: chr18-56202581-G-T.
Other names: short protein forms S1613Y.
Identifiers: ClinVar variation 1743462 (VCV001743462.2), dbSNP rs1420315916, ClinGen allele CA402559587.
Genomic context (GRCh38, chr18:58,535,349, plus strand): 5'-TCTATTTTAGGTTCCTCCATTTTGTGGCTTATCAAAAAGTCTGTGACATTTCCTTCAGGA[G>T]ATGAAGTACAAGGGAACCTGGTAAGATCAGGAGAAGAGGGCAAAGGTTTCCCACGCTCAT-3'
Protein context (NP_443179.3, residues 1603-1623): PDLTRFPCTS[Ser1613Tyr]PEGNVTDFLI